The following is an entry in ClinVar:

ClinVar aggregate classification (germline): Uncertain significance (1 of 4 stars; one submission).

Submission:

Labcorp Genetics (formerly Invitae), Labcorp
Classification: Uncertain significance. Last evaluated: 2025-10-24. Review status: criteria provided, single submitter. Criteria: Invitae Variant Classification Sherloc (09022015). Collection method: clinical testing. Allele origin: germline.
Comment: This variant, c.5001_5003del, results in the deletion of 1 amino acid(s) of the CHD4 protein (p.Glu1668del), but otherwise preserves the integrity of the reading frame. The frequency data for this variant in the population databases is considered unreliable, as metrics indicate poor data quality at this position in the gnomAD database. This variant has not been reported in the literature in individuals affected with CHD4-related conditions. Experimental studies and prediction algorithms are not available or were not evaluated, and the functional significance of this variant is currently unknown. In summary, the available evidence is currently insufficient to determine the role of this variant in disease. Therefore, it has been classified as a Variant of Uncertain Significance.

NM_001273.5(CHD4):c.4992AGA[3] (p.Glu1668del)

Genes: CHD4 (chromodomain helicase DNA binding protein 4; minus strand), CHD4-AS1 (CHD4 antisense RNA 1; plus strand). Cytogenetic location: 12p13.31.
Variant type: Microsatellite.
Coding change: c.4992AGA[3] on transcript NM_001273.5 (MANE Select); three copies in a row of the 3-base unit AGA starting at c.4992; the reference has four copies in a row; one copy, 3 bases deleted.
Protein change: p.Glu1668del; deletes glutamic acid 1668.
Molecular consequence: inframe deletion.
Genome position (GRCh38, 1-based): chr12:6,578,525-6,578,527, TCT deleted on the plus strand (AGA on the coding strand, the reverse complement: CHD4 is on the minus strand); deleting any 3 consecutive bases within chr12:6,578,525-6,578,537 gives the same sequence; the position shown is the placement nearest the transcript's 3' end. VCF-style (leftmost placement, unchanged base first): chr12-6578524-CTCT-C. GRCh37 (hg19) VCF-style: chr12-6687690-CTCT-C.
Other names: c.4971AGA[3], p.Glu1661del (NM_001297553.2); c.4959AGA[3], p.Glu1657del (NM_001363606.2); short protein forms E1657del, E1668del, E1661del.
Identifiers: ClinVar variation 2178754 (VCV002178754.4), dbSNP rs759250013, ClinGen allele CA6411325.